The following is an entry in ClinVar:

ClinVar aggregate classification (germline): Conflicting classifications of pathogenicity. Review status: criteria provided, conflicting classifications (1 of 4 stars). 3 submissions from 1 submitter: Uncertain significance (1); Benign (2). Last evaluated 2018-01-15.

Conditions:
Atrial fibrillation, familial, 9 (ATFB9). Identifiers: MedGen C3151431, MONDO:0013513, OMIM 613980.
Andersen Tawil syndrome (LQT7). Also called: ANDERSEN CARDIODYSRHYTHMIC PERIODIC PARALYSIS; LONG QT SYNDROME 7; PERIODIC PARALYSIS, POTASSIUM-SENSITIVE CARDIODYSRHYTHMIC TYPE; Andersen Syndrome; Potassium-sensitive periodic paralysis, ventricular ectopy, and dysmorphic features. Identifiers: Orphanet 37553, MedGen C1563715, MONDO:0008222, OMIM 170390.
Short QT syndrome type 3. Identifiers: Orphanet 51083, MedGen C1865018, MONDO:0012314, OMIM 609622.

Allele frequency attached by ClinVar (database versions not stated): gnomAD 0.00018 and 0.00019; TOPMed 0.00023; 1000 Genomes Project 30x 0.00047; 1000 Genomes Project 0.00060.

Submissions (3):

Illumina Laboratory Services, Illumina
Classification: Benign for Short QT syndrome type 3. Last evaluated: 2018-01-15. Review status: criteria provided, single submitter. Criteria: ICSL Variant Classification Criteria 13 December 2019. Collection method: clinical testing. Allele origin: germline.
Comment: This variant was observed in the ICSL laboratory as part of a predisposition screen in an ostensibly healthy population. It had not been previously curated by ICSL or reported in the Human Gene Mutation Database (HGMD: prior to June 1st, 2018), and was therefore a candidate for classification through an automated scoring system. Utilizing variant allele frequency, disease prevalence and penetrance estimates, and inheritance mode, an automated score was calculated to assess if this variant is too frequent to cause the disease. Based on the score and internal cut-off values, a variant classified as benign is not then subjected to further curation. The score for this variant resulted in a classification of benign for this disease.

Illumina Laboratory Services, Illumina
Classification: Benign for Andersen Tawil syndrome. Last evaluated: 2018-01-15. Review status: criteria provided, single submitter. Criteria: ICSL Variant Classification Criteria 13 December 2019. Collection method: clinical testing. Allele origin: germline.
Comment: the same text as in the submission from Illumina Laboratory Services, Illumina above.

Illumina Laboratory Services, Illumina
Classification: Uncertain significance for Atrial fibrillation, familial, 9. Last evaluated: 2018-01-15. Review status: criteria provided, single submitter. Criteria: ICSL Variant Classification Criteria 13 December 2019. Collection method: clinical testing. Allele origin: germline.

NM_000891.3(KCNJ2):c.*1465A>G

Gene: KCNJ2 (potassium inwardly rectifying channel subfamily J member 2; plus strand). Cytogenetic location: 17q24.3.
Variant type: single nucleotide variant.
Coding change: c.*1465A>G on transcript NM_000891.3 (MANE Select); 1465 bases downstream of the stop codon, A replaced by G.
Molecular consequence: 3 prime UTR variant.
Genome position (GRCh38, 1-based): chr17:70,177,788, A>G. VCF-style: chr17-70177788-A-G. GRCh37 (hg19) VCF-style: chr17-68173929-A-G.
Identifiers: ClinVar variation 892130 (VCV000892130.4), dbSNP rs183514608, ClinGen allele CA293703078.
Genomic context (GRCh38, chr17:70,177,788, plus strand): 5'-GAAACTTGCCTTTTTTATGGCAGAGGATAGTAATGAAAATGTCTCAGTATTTTAGGGTCA[A>G]TGAGAGCCATAAAAATATAACATAATCACAAGTAAAGGAGATAATGGTCTAAAACAGCTA-3'